The following is an entry in ClinVar:

NM_013254.4(TBK1):c.404A>G (p.Asp135Gly)

Gene: TBK1 (TANK binding kinase 1; plus strand). Cytogenetic location: 12q14.2.
Variant type: single nucleotide variant.
Coding change: c.404A>G on transcript NM_013254.4 (MANE Select); coding-DNA position 404, A replaced by G.
Protein change: p.Asp135Gly; replaces aspartic acid 135 with glycine.
Molecular consequence: missense variant.
Genome position (GRCh38, 1-based): chr12:64,466,946, A>G. VCF-style: chr12-64466946-A-G. GRCh37 (hg19) VCF-style: chr12-64860726-A-G.
Other names: short protein forms D135G.
Identifiers: ClinVar variation 2631790 (VCV002631790.1), dbSNP rs2539493126, ClinGen allele CA385595955.

ClinVar aggregate classification (germline): Uncertain significance (1 of 4 stars; one submission).

Conditions:
TBK1-related disorder. Also called: TBK1-related condition.

Submission:

PreventionGenetics, part of Exact Sciences
Classification: Uncertain significance for TBK1-related condition. Last evaluated: 2023-08-03. Review status: criteria provided, single submitter. Criteria: ACMG Guidelines, 2015. Collection method: clinical testing. Allele origin: germline.
Comment: The TBK1 c.404A>G variant is predicted to result in the amino acid substitution p.Asp135Gly. To our knowledge, this variant has not been reported in the literature or in a large population database, indicating this variant is rare. At this time, the clinical significance of this variant is uncertain due to the absence of conclusive functional and genetic evidence.